The following is an entry in ClinVar:

ClinVar aggregate classification (germline): Benign/Likely benign. Review status: criteria provided, multiple submitters, no conflicts (2 of 4 stars). 3 submissions from 3 submitters: Benign (1); Likely benign (1). 1 of the submissions does not count toward it. Last evaluated 2025-06-13.

Conditions:
CEACAM16-related disorder. Also called: CEACAM16-related condition.

Allele frequency attached by ClinVar (database versions not stated): ExAC 0.00004; gnomAD 0.00008 and 0.00009; gnomAD exomes 0.00009 and 0.00018; TOPMed 0.00010; 1000 Genomes Project 30x 0.00016.

Submissions (3):

Labcorp Genetics (formerly Invitae), Labcorp
Classification: Benign. Last evaluated: 2025-06-13. Review status: criteria provided, single submitter. Criteria: Invitae Variant Classification Sherloc (09022015). Collection method: clinical testing. Allele origin: germline.

GeneDx
Classification: Likely benign. Last evaluated: 2021-04-26. Review status: criteria provided, single submitter. Criteria: GeneDx Variant Classification Process June 2021. Collection method: clinical testing. Allele origin: germline. Affected: yes.

PreventionGenetics, part of Exact Sciences
Classification: Likely benign for CEACAM16-related condition. Last evaluated: 2019-06-24. Review status: no assertion criteria provided. Collection method: clinical testing. Allele origin: germline. Not counted in ClinVar's aggregate classification.
Comment: This variant is classified as likely benign based on ACMG/AMP sequence variant interpretation guidelines (Richards et al. 2015 PMID: 25741868, with internal and published modifications).

NM_001039213.4(CEACAM16):c.37+7G>A

Genes: CEACAM16 (CEA cell adhesion molecule 16, tectorial membrane component; plus strand), CEACAM16-AS1 (CEACAM16, CEACAM19 and PVR antisense RNA 1; minus strand). Cytogenetic location: 19q13.32.
Variant type: single nucleotide variant.
Coding change: c.37+7G>A on transcript NM_001039213.4 (MANE Select); 7 bases into the intron after coding-DNA position 37, G replaced by A.
Molecular consequence: intron variant.
Genome position (GRCh38, 1-based): chr19:44,701,500, G>A. VCF-style: chr19-44701500-G-A. GRCh37 (hg19) VCF-style: chr19-45204770-G-A.
Other names: c.37+7G>A (NM_001039213.3).
Identifiers: ClinVar variation 1306882 (VCV001306882.11), dbSNP rs747674339, ClinGen allele CA9502918.